The following is an entry in ClinVar:

ClinVar aggregate classification (germline): Pathogenic (1 of 4 stars; one submission).

Conditions:
Melnick-Fraser syndrome (BOR). Also called: Branchiootorenal Syndrome (BORS); Branchiootorenal syndrome; Branchio-oto-renal syndrome. Identifiers: Orphanet 107, MedGen C0265234, MONDO:0007029.

Submission:

Labcorp Genetics (formerly Invitae), Labcorp
Classification: Pathogenic for Melnick-Fraser syndrome. Last evaluated: 2019-01-11. Review status: criteria provided, single submitter. Criteria: Invitae Variant Classification Sherloc (09022015). Collection method: clinical testing. Allele origin: germline.
Comment: This variant is not present in population databases (ExAC no frequency). This sequence change creates a premature translational stop signal (p.Ala473Glyfs*6) in the EYA1 gene. It is expected to result in an absent or disrupted protein product. This variant has not been reported in the literature in individuals with EYA1-related disease. For these reasons, this variant has been classified as Pathogenic. Loss-of-function variants in EYA1 are known to be pathogenic (PMID: 18220287).

Literature cited by the submitters: PubMed 18220287.

NM_000503.6(EYA1):c.1418_1421del (p.Ala473fs)

Gene: EYA1 (EYA transcriptional coactivator and phosphatase 1; minus strand). Cytogenetic location: 8q13.3.
Variant type: Deletion.
Coding change: c.1418_1421del on transcript NM_000503.6 (MANE Select); coding-DNA positions 1418 to 1421, 4 bases deleted (CCCT; older notation c.1418_1421delCCCT).
Protein change: p.Ala473fs; shifts the reading frame from alanine 473.
Molecular consequence: frameshift variant.
Genome position (GRCh38, 1-based): chr8:71,215,668-71,215,671, AGGG deleted on the plus strand (CCCT on the coding strand, the reverse complement: EYA1 is on the minus strand). VCF-style (leftmost placement, unchanged base first): chr8-71215667-CAGGG-C. GRCh37 (hg19) VCF-style: chr8-72127902-CAGGG-C.
Other names: c.1400_1403del, p.Ala467fs (NM_001288574.2, NM_172059.5); c.1052_1055del, p.Ala351fs (NM_001288575.2); c.1505_1508del, p.Ala502fs (NM_001370333.1); c.1418_1421del, p.Ala473fs (NM_001370334.1, NM_001370335.1, NM_172058.4); c.1397_1400del, p.Ala466fs (NM_001370336.1); short protein forms A466fs, A473fs, A351fs, A467fs, A502fs.
Identifiers: ClinVar variation 657022 (VCV000657022.8), dbSNP rs1585812463, ClinGen allele CA915945732.